The following is an entry in ClinVar:

ClinVar aggregate classification (germline): Uncertain significance (1 of 4 stars; one submission).

Conditions:
X-linked immunodeficiency with magnesium defect, Epstein-Barr virus infection and neoplasia. Identifiers: Orphanet 317476, MedGen C3275445, MONDO:0010455, OMIM 300853.

Submission:

Labcorp Genetics (formerly Invitae), Labcorp
Classification: Uncertain significance for X-linked immunodeficiency with magnesium defect, Epstein-Barr virus infection and neoplasia. Last evaluated: 2025-02-11. Review status: criteria provided, single submitter. Criteria: Invitae Variant Classification Sherloc (09022015). Collection method: clinical testing. Allele origin: germline.
Comment: This sequence change falls in intron 8 of the MAGT1 gene. It does not directly change the encoded amino acid sequence of the MAGT1 protein. This variant is not present in population databases (gnomAD no frequency). This variant has not been reported in the literature in individuals affected with MAGT1-related conditions. ClinVar contains an entry for this variant (Variation ID: 1059017). Algorithms developed to predict the effect of sequence changes on RNA splicing suggest that this variant may disrupt the consensus splice site. In summary, the available evidence is currently insufficient to determine the role of this variant in disease. Therefore, it has been classified as a Variant of Uncertain Significance.

NM_001367916.1(MAGT1):c.902-6C>G

Gene: MAGT1 (magnesium transporter 1; minus strand). Cytogenetic location: Xq21.1.
Variant type: single nucleotide variant.
Coding change: c.902-6C>G on transcript NM_001367916.1 (MANE Select); 6 bases into the intron before coding-DNA position 902, C replaced by G.
Molecular consequence: intron variant.
Genome position (GRCh38, 1-based): chrX:77,830,901, G>C on the plus strand (C>G on the coding strand, the complement: MAGT1 is on the minus strand). VCF-style: chrX-77830901-G-C. GRCh37 (hg19) VCF-style: chrX-77086398-G-C.
Other names: c.998-6C>G (NM_032121.5).
Identifiers: ClinVar variation 1059017 (VCV001059017.9), dbSNP rs2149008276, ClinGen allele CA517378260.
Genomic context (GRCh38, chrX:77,830,901, plus strand): 5'-GAGAGCATCCAACTGAAGAATAATACAACAAGTCCAATACCAGCCACACACATTACTGCA[G>C]AAAAATAAAAGGAGAGTAAAATGAGCAGGTTGAGTATAATAAATAACCATGGCAGTCTAT-3'